The following is an entry in ClinVar:

NM_002474.3(MYH11):c.633G>A (p.Thr211=)

Gene: MYH11 (myosin heavy chain 11; minus strand). Cytogenetic location: 16p13.11.
Variant type: single nucleotide variant.
Coding change: c.633G>A on transcript NM_002474.3 (MANE Select); coding-DNA position 633, G replaced by A.
Protein change: p.Thr211=; no amino-acid change (threonine 211 retained).
Molecular consequence: synonymous variant.
Genome position (GRCh38, 1-based): chr16:15,786,630, C>T on the plus strand (G>A on the coding strand, the complement: MYH11 is on the minus strand). VCF-style: chr16-15786630-C-T. GRCh37 (hg19) VCF-style: chr16-15880487-C-T.
Other names: c.633G>A, p.Thr211= (NM_001040113.2, NM_001040114.2, NM_022844.3); c.633G>A (NM_002474.2).
Identifiers: ClinVar variation 626890 (VCV000626890.8), dbSNP rs765225250, ClinGen allele CA7922924.
Genomic context (GRCh38, chr16:15,786,630, plus strand): 5'-GGCTGCAAGCTGGAGACCGGTTGGCTAAATCATGGCCTCTGATTGGGAACTGCCACTCAC[C>T]GTGATACTTGTGTCTTTCTTGCCCTTGTGGGAGGAGGCCACCACGGCCAGGTACTGAATG-3'
Protein context (NP_002465.1, residues 201-221): SHKGKKDTSI[Thr211=]GELEKQLLQA

ClinVar aggregate classification (germline): Uncertain significance. Review status: criteria provided, multiple submitters, no conflicts (2 of 4 stars). 4 submissions from 4 submitters: Uncertain significance (4). Last evaluated 2023-01-10.

Conditions:
Familial thoracic aortic aneurysm and aortic dissection (TAAD). Also called: Thoracic aortic aneurysms and dissections. Identifiers: Orphanet 91387, MedGen C4707243, MONDO:0019625.
Aortic aneurysm, familial thoracic 4 (AAT4). Also called: AORTIC ANEURYSM/AORTIC DISSECTION AND PATENT DUCTUS ARTERIOSUS. Identifiers: MedGen C1851504, MONDO:0007568, OMIM 132900.

Allele frequency attached by ClinVar (database versions not stated): TOPMed 0.00001.

Submissions (4):

GeneDx
Classification: Uncertain significance. Last evaluated: 2023-01-10. Review status: criteria provided, single submitter. Criteria: GeneDx Variant Classification Process June 2021. Collection method: clinical testing. Allele origin: germline. Affected: yes.
Comment: Reported in association with thoracic aortic aneurysm and dissection in published literature (Li et al., 2021); Not observed at significant frequency in large population cohorts (gnomAD); In silico analysis is inconclusive as to whether the variant alters gene splicing; in the absence of RNA/functional studies, the actual effect of this sequence change is unknown; This variant is associated with the following publications: (PMID: 34498425)

Blueprint Genetics
Classification: Uncertain significance. Last evaluated: 2022-11-15. Review status: criteria provided, single submitter. Criteria: ACMG Guidelines, 2015. Collection method: clinical testing. Allele origin: germline.

Labcorp Genetics (formerly Invitae), Labcorp
Classification: Uncertain significance for Aortic aneurysm, familial thoracic 4. Last evaluated: 2022-08-06. Review status: criteria provided, single submitter. Criteria: Invitae Variant Classification Sherloc (09022015). Collection method: clinical testing. Allele origin: germline.
Comment: This sequence change affects codon 211 of the MYH11 mRNA. It is a 'silent' change, meaning that it does not change the encoded amino acid sequence of the MYH11 protein. This variant also falls at the last nucleotide of exon 5, which is part of the consensus splice site for this exon. This variant is present in population databases (rs765225250, gnomAD 0.003%). This variant has not been reported in the literature in individuals affected with MYH11-related conditions. ClinVar contains an entry for this variant (Variation ID: 626890). Variants that disrupt the consensus splice site are a relatively common cause of aberrant splicing (PMID: 17576681, 9536098). Algorithms developed to predict the effect of sequence changes on RNA splicing suggest that this variant may disrupt the consensus splice site. In summary, the available evidence is currently insufficient to determine the role of this variant in disease. Therefore, it has been classified as a Variant of Uncertain Significance.

CHEO Genetics Diagnostic Laboratory, Children's Hospital of Eastern Ontario
Classification: Uncertain significance for Familial thoracic aortic aneurysm and aortic dissection. Last evaluated: 2016-07-21. Review status: criteria provided, single submitter. Criteria: ACMG Guidelines, 2015. Collection method: clinical testing. Allele origin: germline. Study: Canadian Open Genetics Repository.

Literature cited by the submitters: PubMed 17576681 (cited by Labcorp Genetics (formerly Invitae), Labcorp); PubMed 9536098 (cited by Labcorp Genetics (formerly Invitae), Labcorp).